The following is an entry in ClinVar:

NM_003239.5(TGFB3):c.926+1G>T

Gene: TGFB3 (transforming growth factor beta 3; minus strand). Cytogenetic location: 14q24.3.
Variant type: single nucleotide variant.
Coding change: c.926+1G>T on transcript NM_003239.5 (MANE Select); the canonical splice donor site of the intron after coding-DNA position 926, G replaced by T.
Molecular consequence: splice donor variant. On other transcripts: synonymous variant (1).
Genome position (GRCh38, 1-based): chr14:75,963,315, C>A on the plus strand (G>T on the coding strand, the complement: TGFB3 is on the minus strand). VCF-style: chr14-75963315-C-A. GRCh37 (hg19) VCF-style: chr14-76429658-C-A.
Other names: c.927G>T, p.Arg309= (NM_001329938.2); c.926+1G>T (NM_001329939.2).
Identifiers: ClinVar variation 1067148 (VCV001067148.7), dbSNP rs2035180096, ClinGen allele CA390468123.
Genomic context (GRCh38, chr14:75,963,315, plus strand): 5'-ACCTAGCCATTGGGCAGTAGGCAGGCAGTAGATGTTGGTTCCCATGTGGGCCCAGTCTCA[C>A]CGGAAGCAGTAATTGGTGTCCAAAGCCCGCTTCTTCCTCTGACCCCCCTGGCCCGGGTTG-3'

ClinVar aggregate classification (germline): Likely pathogenic (1 of 4 stars; one submission).

Conditions:
Rienhoff syndrome. Also called: LOEYS-DIETZ SYNDROME 5. Identifiers: MedGen C3810012, MONDO:0014262, OMIM 615582.

Submission:

Labcorp Genetics (formerly Invitae), Labcorp
Classification: Likely pathogenic for Rienhoff syndrome. Last evaluated: 2022-08-15. Review status: criteria provided, single submitter. Criteria: Invitae Variant Classification Sherloc (09022015). Collection method: clinical testing. Allele origin: germline.
Comment: ClinVar contains an entry for this variant (Variation ID: 1067148). Algorithms developed to predict the effect of sequence changes on RNA splicing suggest that this variant may disrupt the consensus splice site. In summary, the currently available evidence indicates that the variant is pathogenic, but additional data are needed to prove that conclusively. Therefore, this variant has been classified as Likely Pathogenic. This variant has not been reported in the literature in individuals affected with TGFB3-related conditions. This sequence change affects a donor splice site in intron 5 of the TGFB3 gene. It is expected to disrupt RNA splicing. Variants that disrupt the donor or acceptor splice site typically lead to a loss of protein function (PMID: 16199547), and loss-of-function variants in TGFB3 are known to be pathogenic (PMID: 25835445, 26188975). This variant is not present in population databases (gnomAD no frequency).

Literature cited by the submitters: PubMed 16199547; PubMed 25835445; PubMed 26188975.